The following is an entry in ClinVar:

ClinVar aggregate classification (germline): Uncertain significance (1 of 4 stars; one submission).

Allele frequency attached by ClinVar (database versions not stated): gnomAD 0.00004; TOPMed 0.00005; ExAC 0.00007.
gnomAD v4.1: 57 of 1,614,110 alleles (0.0035%); highest among the groups gnomAD compares: East Asian, 0.082%; no homozygotes.

Submission:

Labcorp Genetics (formerly Invitae), Labcorp
Classification: Uncertain significance. Last evaluated: 2024-10-17. Review status: criteria provided, single submitter. Criteria: Invitae Variant Classification Sherloc (09022015). Collection method: clinical testing. Allele origin: germline.
Comment: This sequence change replaces valine, which is neutral and non-polar, with isoleucine, which is neutral and non-polar, at codon 28 of the SDR9C7 protein (p.Val28Ile). This variant is present in population databases (rs778481010, gnomAD 0.09%). This variant has not been reported in the literature in individuals affected with SDR9C7-related conditions. ClinVar contains an entry for this variant (Variation ID: 2417673). Invitae Evidence Modeling of protein sequence and biophysical properties (such as structural, functional, and spatial information, amino acid conservation, physicochemical variation, residue mobility, and thermodynamic stability) indicates that this missense variant is not expected to disrupt SDR9C7 protein function with a negative predictive value of 80%. In summary, the available evidence is currently insufficient to determine the role of this variant in disease. Therefore, it has been classified as a Variant of Uncertain Significance.

NM_148897.3(SDR9C7):c.82G>A (p.Val28Ile)

Gene: SDR9C7 (short chain dehydrogenase/reductase family 9C member 7; minus strand). Cytogenetic location: 12q13.3.
Variant type: single nucleotide variant.
Coding change: c.82G>A on transcript NM_148897.3 (MANE Select); coding-DNA position 82, G replaced by A.
Protein change: p.Val28Ile; replaces valine 28 with isoleucine.
Molecular consequence: missense variant.
Genome position (GRCh38, 1-based): chr12:56,934,180, C>T on the plus strand (G>A on the coding strand, the complement: SDR9C7 is on the minus strand). VCF-style: chr12-56934180-C-T. GRCh37 (hg19) VCF-style: chr12-57327964-C-T.
Other names: short protein forms V28I.
Identifiers: ClinVar variation 2417673 (VCV002417673.5), dbSNP rs778481010, ClinGen allele CA6638266.